The following is an entry in ClinVar:

ClinVar aggregate classification (germline): Uncertain significance (1 of 4 stars; one submission).

Allele frequency attached by ClinVar (database versions not stated): gnomAD 0.00001.

Submission:

Labcorp Genetics (formerly Invitae), Labcorp
Classification: Uncertain significance. Last evaluated: 2023-01-26. Review status: criteria provided, single submitter. Criteria: Invitae Variant Classification Sherloc (09022015). Collection method: clinical testing. Allele origin: germline.
Comment: This sequence change replaces histidine, which is basic and polar, with arginine, which is basic and polar, at codon 176 of the OR2W3 protein (p.His176Arg). This variant is present in population databases (no rsID available, gnomAD no frequency). This variant has not been reported in the literature in individuals affected with OR2W3-related conditions. Algorithms developed to predict the effect of missense changes on protein structure and function (SIFT, PolyPhen-2, Align-GVGD) all suggest that this variant is likely to be disruptive. In summary, the available evidence is currently insufficient to determine the role of this variant in disease. Therefore, it has been classified as a Variant of Uncertain Significance.

NM_001001957.2(OR2W3):c.527A>G (p.His176Arg)

Gene: OR2W3 (olfactory receptor family 2 subfamily W member 3; plus strand). Cytogenetic location: 1q44.
Variant type: single nucleotide variant.
Coding change: c.527A>G on transcript NM_001001957.2 (MANE Select); coding-DNA position 527, A replaced by G.
Protein change: p.His176Arg; replaces histidine 176 with arginine.
Molecular consequence: missense variant.
Genome position (GRCh38, 1-based): chr1:247,896,113, A>G. VCF-style: chr1-247896113-A-G. GRCh37 (hg19) VCF-style: chr1-248059415-A-G.
Other names: short protein forms H176R.
Identifiers: ClinVar variation 2832198 (VCV002832198.3), dbSNP rs1324080374, ClinGen allele CA345593954.